The following is an entry in ClinVar:

ClinVar aggregate classification (germline): Uncertain significance. Review status: no assertion criteria provided (0 of 4 stars). 2 submissions from 1 submitter: Uncertain significance (1). 1 of the submissions does not count toward it.

Submissions (2):

Richard Lifton Laboratory, Yale University School of Medicine
Classification: Uncertain significance. Review status: no assertion criteria provided. Collection method: not provided. Allele origin: somatic.
Comment: ITSN2:p.A1578S
ClinVar note: Converted during submission from unknown to Uncertain significance.

Richard Lifton Laboratory, Yale University School of Medicine
Classification: Uncertain significance. Review status: flagged submission. Collection method: not provided. Allele origin: somatic. Not counted in ClinVar's aggregate classification.
ClinVar note: Converted during submission from unknown to Uncertain significance.
ClinVar note: Reason: This record appears to be redundant with a more recent record from the same submitter.
ClinVar note: Notes: SCV000120078 appears to be redundant with SCV000155182.

NM_006277.3(ITSN2):c.4732G>T (p.Ala1578Ser)

Gene: ITSN2 (intersectin 2; minus strand). Cytogenetic location: 2p23.3.
Variant type: single nucleotide variant.
Coding change: c.4732G>T on transcript NM_006277.3 (MANE Select); coding-DNA position 4732, G replaced by T.
Protein change: p.Ala1578Ser; replaces alanine 1578 with serine.
Molecular consequence: missense variant.
Genome position (GRCh38, 1-based): chr2:24,205,244, C>A on the plus strand (G>T on the coding strand, the complement: ITSN2 is on the minus strand). VCF-style: chr2-24205244-C-A. GRCh37 (hg19) VCF-style: chr2-24428113-C-A.
Other names: c.4690G>T, p.Ala1564Ser (NM_001348181.2); c.4612G>T, p.Ala1538Ser (NM_001348182.2); c.4651G>T, p.Ala1551Ser (NM_019595.4); short protein forms A1578S, A1538S, A1551S, A1564S.
Identifiers: ClinVar variation 100854 (VCV000100854.2), dbSNP rs483352731, ClinGen allele CA229134.